The following is an entry in ClinVar:

ClinVar aggregate classification (germline): Likely benign. Review status: criteria provided, multiple submitters, no conflicts (2 of 4 stars). 3 submissions from 3 submitters: Likely benign (3). Last evaluated 2025-09-23.

Conditions:
Adams-Oliver syndrome 5 (AOS5). Identifiers: Orphanet 974, MedGen C4014970, MONDO:0014459, OMIM 616028.

Allele frequency attached by ClinVar (database versions not stated): gnomAD 0.00001; TOPMed 0.00001; ExAC 0.00002; gnomAD exomes 0.00002 and 0.00004.
gnomAD v4.1: 62 of 1,612,510 alleles (0.0038%); highest among the groups gnomAD compares: East Asian, 0.016%; no homozygotes.

Submissions (3):

Labcorp Genetics (formerly Invitae), Labcorp
Classification: Likely benign for Adams-Oliver syndrome 5. Last evaluated: 2025-09-23. Review status: criteria provided, single submitter. Criteria: Invitae Variant Classification Sherloc (09022015). Collection method: clinical testing. Allele origin: germline.

CeGaT Center for Human Genetics Tuebingen
Classification: Likely benign. Last evaluated: 2025-03-01. Review status: criteria provided, single submitter. Criteria: CeGaT Center For Human Genetics Tuebingen Variant Classification Criteria Version 2. Collection method: clinical testing. Allele origin: germline. Affected: yes. Observed: 1 variant allele.
Comment: NOTCH1: BP4

Blueprint Genetics
Classification: Likely benign. Last evaluated: 2024-08-23. Review status: criteria provided, single submitter. Criteria: ACMG Guidelines, 2015. Collection method: clinical testing. Allele origin: germline.

NM_017617.5(NOTCH1):c.5019-7C>T

Gene: NOTCH1 (notch receptor 1; minus strand). Cytogenetic location: 9q34.3.
Variant type: single nucleotide variant.
Coding change: c.5019-7C>T on transcript NM_017617.5 (MANE Select); 7 bases into the intron before coding-DNA position 5019, C replaced by T.
Molecular consequence: intron variant.
Genome position (GRCh38, 1-based): chr9:136,503,337, G>A on the plus strand (C>T on the coding strand, the complement: NOTCH1 is on the minus strand). VCF-style: chr9-136503337-G-A. GRCh37 (hg19) VCF-style: chr9-139397789-G-A.
Identifiers: ClinVar variation 1104231 (VCV001104231.17), dbSNP rs778742802, ClinGen allele CA5340458.